The following is an entry in ClinVar:

ClinVar aggregate classification (germline): Benign/Likely benign. Review status: criteria provided, multiple submitters, no conflicts (2 of 4 stars). 6 submissions from 6 submitters: Benign (2); Likely benign (2). 2 of the submissions do not count toward it. Last evaluated 2026-02-02.

Conditions:
Cranioectodermal dysplasia 1 (CED1). Also called: LEVIN SYNDROME I. Identifiers: Orphanet 1515, MedGen C0432235, MONDO:0021093, OMIM 218330.

Allele frequency attached by ClinVar (database versions not stated): 1000 Genomes Project 30x 0.01124; 1000 Genomes Project 0.01138; TOPMed 0.02161; gnomAD 0.02241 and 0.02307; gnomAD exomes 0.02290; ExAC 0.02291; ESP Exome Variant Server 0.02530.
gnomAD v4.1: 46,451 of 1,603,480 alleles (2.9%); highest among the groups gnomAD compares: Non-Finnish European, 3.4%; 803 homozygotes.

Submissions (6):

Labcorp Genetics (formerly Invitae), Labcorp
Classification: Benign for Cranioectodermal dysplasia 1. Last evaluated: 2026-02-02. Review status: criteria provided, single submitter. Criteria: Invitae Variant Classification Sherloc (09022015). Collection method: clinical testing. Allele origin: germline.

Blueprint Genetics
Classification: Likely benign. Last evaluated: 2024-11-26. Review status: criteria provided, single submitter. Criteria: ACMG Guidelines, 2015. Collection method: clinical testing. Allele origin: germline.

GeneDx
Classification: Benign. Last evaluated: 2017-11-02. Review status: criteria provided, single submitter. Criteria: GeneDx Variant Classification (06012015). Collection method: clinical testing. Allele origin: germline. Affected: yes.
Comment: This variant is considered likely benign or benign based on one or more of the following criteria: it is a conservative change, it occurs at a poorly conserved position in the protein, it is predicted to be benign by multiple in silico algorithms, and/or has population frequency not consistent with disease.

Breakthrough Genomics
Classification: Likely benign. Review status: criteria provided, single submitter. Criteria: ACMG Guidelines, 2015. Collection method: not provided. Allele origin: germline. Inheritance: Autosomal recessive inheritance. Affected: yes.

Clinical Genetics DNA and cytogenetics Diagnostics Lab, Erasmus MC, Erasmus Medical Center
Classification: Benign. Review status: no assertion criteria provided. Collection method: clinical testing. Allele origin: germline. Affected: yes. Study: VKGL Data-share Consensus. Not counted in ClinVar's aggregate classification.

Genome Diagnostics Laboratory, University Medical Center Utrecht
Classification: Benign. Review status: no assertion criteria provided. Collection method: clinical testing. Allele origin: germline. Affected: yes. Study: VKGL Data-share Consensus. Not counted in ClinVar's aggregate classification.

NM_052989.3(IFT122):c.109-15T>C

Gene: IFT122 (intraflagellar transport 122; plus strand). Cytogenetic location: 3q21.3.
Variant type: single nucleotide variant.
Coding change: c.109-15T>C on transcript NM_052989.3 (MANE Select); 15 bases into the intron before coding-DNA position 109, T replaced by C.
Molecular consequence: intron variant.
Genome position (GRCh38, 1-based): chr3:129,451,899, T>C. VCF-style: chr3-129451899-T-C. GRCh37 (hg19) VCF-style: chr3-129170742-T-C.
Other names: c.-493-15T>C (NM_001280545.2); c.109-15T>C (NM_052985.4, NM_001280541.2, NM_018262.4 and 1 more transcripts); c.-263-15T>C (NM_001280546.2).
Identifiers: ClinVar variation 343228 (VCV000343228.16), dbSNP rs114298924, ClinGen allele CA2605705.